The following is an entry in ClinVar:

ClinVar aggregate classification (germline): Uncertain significance (1 of 4 stars; one submission).

Submission:

GeneDx
Classification: Uncertain significance. Last evaluated: 2026-04-04. Review status: criteria provided, single submitter. Criteria: GeneDx Variant Classification Process June 2021. Collection method: clinical testing. Allele origin: germline.
Comment: Not observed at significant frequency in large population cohorts (gnomAD); In silico analysis supports that this missense variant has a deleterious effect on protein structure/function; Has not been previously published as pathogenic or benign to our knowledge

NM_005121.3(MED13):c.1616A>C (p.His539Pro)

Gene: MED13 (mediator complex subunit 13; minus strand). Cytogenetic location: 17q23.2.
Variant type: single nucleotide variant.
Coding change: c.1616A>C on transcript NM_005121.3 (MANE Select); coding-DNA position 1616, A replaced by C.
Protein change: p.His539Pro; replaces histidine 539 with proline.
Molecular consequence: missense variant.
Genome position (GRCh38, 1-based): chr17:62,010,901, T>G on the plus strand (A>C on the coding strand, the complement: MED13 is on the minus strand). VCF-style: chr17-62010901-T-G. GRCh37 (hg19) VCF-style: chr17-60088262-T-G.
Other names: short protein forms H539P.
Identifiers: ClinVar variation 5018041 (VCV005018041.1).